The following is an entry in ClinVar:

NM_205850.3(SLC24A5):c.301+1G>T

Gene: SLC24A5 (solute carrier family 24 member 5; plus strand). Cytogenetic location: 15q21.1.
Variant type: single nucleotide variant.
Coding change: c.301+1G>T on transcript NM_205850.3 (MANE Select); the canonical splice donor site of the intron after coding-DNA position 301, G replaced by T.
Molecular consequence: splice donor variant.
Genome position (GRCh38, 1-based): chr15:48,122,037, G>T. VCF-style: chr15-48122037-G-T. GRCh37 (hg19) VCF-style: chr15-48414234-G-T.
Identifiers: ClinVar variation 3027497 (VCV003027497.3), dbSNP rs2038684395, ClinGen allele CA392448041.

ClinVar aggregate classification (germline): Likely pathogenic. Review status: criteria provided, multiple submitters, no conflicts (2 of 4 stars). 2 submissions from 2 submitters: Likely pathogenic (2). Last evaluated 2024-07-24.

Conditions:
Oculocutaneous albinism type 6 (OCA6). Also called: Albinism, oculocutaneous, type VI. Identifiers: Orphanet 370097, MedGen C3805375, MONDO:0018264, OMIM 113750.

Allele frequency attached by ClinVar (database versions not stated): TOPMed below 0.00001.

Submissions (2):

Labcorp Genetics (formerly Invitae), Labcorp
Classification: Likely pathogenic. Last evaluated: 2024-07-24. Review status: criteria provided, single submitter. Criteria: Invitae Variant Classification Sherloc (09022015). Collection method: clinical testing. Allele origin: germline.
Comment: This sequence change affects a donor splice site in intron 2 of the SLC24A5 gene. It is expected to disrupt RNA splicing. Variants that disrupt the donor or acceptor splice site typically lead to a loss of protein function (PMID: 16199547), and loss-of-function variants in SLC24A5 are known to be pathogenic (PMID: 23985994, 26686029). This variant is not present in population databases (gnomAD no frequency). This variant has not been reported in the literature in individuals affected with SLC24A5-related conditions. Algorithms developed to predict the effect of sequence changes on RNA splicing suggest that this variant may disrupt the consensus splice site. In summary, the currently available evidence indicates that the variant is pathogenic, but additional data are needed to prove that conclusively. Therefore, this variant has been classified as Likely Pathogenic.

Institute of Medical Genetics and Applied Genomics, University Hospital Tübingen
Classification: Likely pathogenic for Oculocutaneous albinism type 6. Last evaluated: 2024-03-08. Review status: criteria provided, single submitter. Criteria: ACMG Guidelines, 2015. Collection method: clinical testing. Allele origin: germline. Inheritance: Autosomal recessive inheritance. Affected: yes.

Literature cited by the submitters: PubMed 16199547 (cited by Labcorp Genetics (formerly Invitae), Labcorp); PubMed 23985994 (cited by Labcorp Genetics (formerly Invitae), Labcorp); PubMed 26686029 (cited by Labcorp Genetics (formerly Invitae), Labcorp).